The following is an entry in ClinVar:

ClinVar aggregate classification (germline): Likely benign (1 of 4 stars; one submission).

Allele frequency attached by ClinVar (database versions not stated): ExAC 0.00008; gnomAD 0.00039.

Submission:

CeGaT Center for Human Genetics Tuebingen
Classification: Likely benign. Last evaluated: 2023-11-01. Review status: criteria provided, single submitter. Criteria: CeGaT Center For Human Genetics Tuebingen Variant Classification Criteria Version 2. Collection method: clinical testing. Allele origin: germline. Affected: yes. Observed: 2 variant alleles.
Comment: NPIPB11: BP4, BS2

NM_001310137.5(NPIPB11):c.1431T>C (p.Ser477=)

Gene: NPIPB11 (nuclear pore complex interacting protein family member B11). Cytogenetic location: 16p11.2.
Variant type: single nucleotide variant.
Coding change: c.1431T>C on transcript NM_001310137.5 (MANE Select); coding-DNA position 1431, T replaced by C.
Protein change: p.Ser477=; no amino-acid change (serine 477 retained).
Molecular consequence: synonymous variant.
Genome position (GRCh38, 1-based): chr16:29,383,501, A>G on the plus strand (T>C on the coding strand, the complement: NPIPB11 is on the minus strand). VCF-style: chr16-29383501-A-G. GRCh37 (hg19) VCF-style: chr16-29394822-A-G.
Identifiers: ClinVar variation 2646361 (VCV002646361.24), dbSNP rs376240593, ClinGen allele CA7991441.
Genomic context (GRCh38, chr16:29,383,501, plus strand): 5'-CTTGATATTATCATCTGCTGAGGGTGGAGCTGAGGGTGGAAGGGGAGTGAGCTGACGCTC[A>G]GAAGGTGTCTTGAGATTATCATCGGCTGAGGGTGGAAGCGGCCCCCGCAGACGCTCGGCA-3'
Protein context (NP_001297066.2, residues 467-487): PSADDNLKTP[Ser477=]ERQLTPLPPS